The following is an entry in ClinVar:

ClinVar aggregate classification (germline): Uncertain significance. Review status: criteria provided, multiple submitters, no conflicts (2 of 4 stars). 2 submissions from 2 submitters: Uncertain significance (2). Last evaluated 2024-04-11.

Conditions:
Holoprosencephaly 9 (HPE9). Also called: HOLOPROSENCEPHALY WITH MICROPHTHALMIA AND FIRST BRANCHIAL ARCH ANOMALIES; PITUITARY ANOMALIES WITH HOLOPROSENCEPHALY-LIKE FEATURES. Identifiers: Orphanet 2162, MedGen C1835819, MONDO:0012563, OMIM 610829.
Postaxial polydactyly-anterior pituitary anomalies-facial dysmorphism syndrome. Also called: Culler-Jones syndrome. Identifiers: Orphanet 420584, MedGen C4014479, MONDO:0014369, OMIM 615849.

Submissions (2):

GeneDx
Classification: Uncertain significance. Last evaluated: 2024-04-11. Review status: criteria provided, single submitter. Criteria: GeneDx Variant Classification Process June 2021. Collection method: clinical testing. Allele origin: germline. Affected: yes.
Comment: Not observed at significant frequency in large population cohorts (gnomAD); In silico analysis supports that this missense variant has a deleterious effect on protein structure/function; Has not been previously published as pathogenic or benign to our knowledge

Labcorp Genetics (formerly Invitae), Labcorp
Classification: Uncertain significance for Postaxial polydactyly-anterior pituitary anomalies-facial dysmorphism syndrome; Holoprosencephaly 9. Last evaluated: 2023-08-18. Review status: criteria provided, single submitter. Criteria: Invitae Variant Classification Sherloc (09022015). Collection method: clinical testing. Allele origin: germline.
Comment: In summary, the available evidence is currently insufficient to determine the role of this variant in disease. Therefore, it has been classified as a Variant of Uncertain Significance. Advanced modeling of protein sequence and biophysical properties (such as structural, functional, and spatial information, amino acid conservation, physicochemical variation, residue mobility, and thermodynamic stability) performed at Invitae indicates that this missense variant is not expected to disrupt GLI2 protein function. This variant has not been reported in the literature in individuals affected with GLI2-related conditions. This variant is not present in population databases (gnomAD no frequency). This sequence change replaces proline, which is neutral and non-polar, with serine, which is neutral and polar, at codon 288 of the GLI2 protein (p.Pro288Ser).

NM_001374353.1(GLI2):c.862C>T (p.Pro288Ser)

Gene: GLI2 (GLI family zinc finger 2; plus strand). Cytogenetic location: 2q14.2.
Variant type: single nucleotide variant.
Coding change: c.862C>T on transcript NM_001374353.1 (MANE Select); coding-DNA position 862, C replaced by T.
Protein change: p.Pro288Ser; replaces proline 288 with serine.
Molecular consequence: missense variant.
Genome position (GRCh38, 1-based): chr2:120,970,409, C>T. VCF-style: chr2-120970409-C-T. GRCh37 (hg19) VCF-style: chr2-121727985-C-T.
Other names: c.862C>T, p.Pro288Ser (NM_001371271.1, NM_005270.5); c.487C>T, p.Pro163Ser (NM_001374354.1); c.862C>T (NM_005270.4); short protein forms P288S, P163S.
Identifiers: ClinVar variation 2933496 (VCV002933496.4), dbSNP rs1682084939, ClinGen allele CA348167393.